The following is an entry in ClinVar:

ClinVar aggregate classification (germline): Uncertain significance (1 of 4 stars; one submission).

Conditions:
X-linked erythropoietic protoporphyria. Also called: ERYTHROHEPATIC PROTOPORPHYRIA, X-LINKED; X-Linked Protoporphyria; Erythropoietic Protoporphyria, X-Linked Dominant. Identifiers: Orphanet 443197, MedGen C2677889, MONDO:0010420, OMIM 300752.

Submission:

MVZ Medizinische Genetik Mainz
Classification: Uncertain significance for X-linked erythropoietic protoporphyria. Last evaluated: 2023-11-09. Review status: criteria provided, single submitter. Criteria: UK Practice Guidelines For Variant Classification V4 01 2020. Collection method: clinical testing. Allele origin: germline. Inheritance: Unknown mechanism. Affected: yes. Observed: 1 variant allele.
Comment: ACMG Criteria: PP3_STR,PM2_SUP

NM_000032.5(ALAS2):c.1532G>T (p.Arg511Leu)

Gene: ALAS2 (5'-aminolevulinate synthase 2; minus strand). Cytogenetic location: Xp11.21.
Variant type: single nucleotide variant.
Coding change: c.1532G>T on transcript NM_000032.5 (MANE Select); coding-DNA position 1532, G replaced by T.
Protein change: p.Arg511Leu; replaces arginine 511 with leucine.
Molecular consequence: missense variant.
Genome position (GRCh38, 1-based): chrX:55,013,554, C>A on the plus strand (G>T on the coding strand, the complement: ALAS2 is on the minus strand). VCF-style: chrX-55013554-C-A. GRCh37 (hg19) VCF-style: chrX-55039987-C-A.
Other names: c.1421G>T, p.Arg474Leu (NM_001037967.4); c.1493G>T, p.Arg498Leu (NM_001037968.4); short protein forms R474L, R498L, R511L.
Identifiers: ClinVar variation 3234045 (VCV003234045.1), dbSNP rs372675935, ClinGen allele CA413291919.
Genomic context (GRCh38, chrX:55,013,554, plus strand): 5'-TCTTCCATCATCTGAGGGCTGTGGTGGGGGGAGGGTGCCAAGCGCAGGAGCTCTTCACCC[C>A]GGGGGACAGTTGGGTAGTTGATGGCCTGCACATAGATGCCATGCTTGGAGAGCAGGAGAT-3'
Protein context (NP_000023.2, residues 501-521): VQAINYPTVP[Arg511Leu]GEELLRLAPS